The following is an entry in ClinVar:

NM_015141.4(GPD1L):c.818G>A (p.Arg273His)

Gene: GPD1L (glycerol-3-phosphate dehydrogenase 1 like; plus strand). Cytogenetic location: 3p22.3.
Variant type: single nucleotide variant.
Coding change: c.818G>A on transcript NM_015141.4 (MANE Select); coding-DNA position 818, G replaced by A.
Protein change: p.Arg273His; replaces arginine 273 with histidine.
Molecular consequence: missense variant.
Genome position (GRCh38, 1-based): chr3:32,159,075, G>A. VCF-style: chr3-32159075-G-A. GRCh37 (hg19) VCF-style: chr3-32200567-G-A.
Other names: short protein forms R273H.
Identifiers: ClinVar variation 843122 (VCV000843122.6), dbSNP rs774028756, ClinGen allele CA2296749.

ClinVar aggregate classification (germline): Uncertain significance. Review status: criteria provided, multiple submitters, no conflicts (2 of 4 stars). 3 submissions from 3 submitters: Uncertain significance (3). Last evaluated 2024-01-03.

Conditions:
Cardiovascular phenotype. Identifiers: MedGen CN230736.
Brugada syndrome. Also called: Sudden unexplained nocturnal death syndrome; Sudden Unexplained Death Syndrome; Sudden Unexplained Nocturnal Death Syndrome (SUNDS); Sudden unexpected nocturnal death syndrome. Identifiers: Orphanet 130, MedGen C1142166, MONDO:0015263.
Brugada syndrome 2 (BRGDA2). Identifiers: Orphanet 130, MedGen C2673193, MONDO:0012728, OMIM 611777.

Allele frequency attached by ClinVar (database versions not stated): ExAC 0.00001; gnomAD 0.00001 and 0.00002; TOPMed 0.00001.
gnomAD v4.1: 22 of 1,613,704 alleles (0.0014%); highest among the groups gnomAD compares: Middle Eastern, 0.016%; no homozygotes.

Submissions (3):

Ambry Genetics
Classification: Uncertain significance for Cardiovascular phenotype. Last evaluated: 2024-01-03. Review status: criteria provided, single submitter. Criteria: Ambry Variant Classification Scheme 2023. Collection method: clinical testing. Allele origin: germline.

Labcorp Genetics (formerly Invitae), Labcorp
Classification: Uncertain significance for Brugada syndrome. Last evaluated: 2021-10-28. Review status: criteria provided, single submitter. Criteria: Invitae Variant Classification Sherloc (09022015). Collection method: clinical testing. Allele origin: germline.
Comment: Algorithms developed to predict the effect of missense changes on protein structure and function (SIFT, PolyPhen-2, Align-GVGD) all suggest that this variant is likely to be tolerated. In summary, the available evidence is currently insufficient to determine the role of this variant in disease. Therefore, it has been classified as a Variant of Uncertain Significance. ClinVar contains an entry for this variant (Variation ID: 843122). This variant has not been reported in the literature in individuals affected with GPD1L-related conditions. This variant is present in population databases (rs774028756, gnomAD 0.002%). This sequence change replaces arginine, which is basic and polar, with histidine, which is basic and polar, at codon 273 of the GPD1L protein (p.Arg273His).

Department of Pathology and Laboratory Medicine, Sinai Health System
Classification: Uncertain significance for Brugada syndrome 2. Last evaluated: 2021-09-16. Review status: criteria provided, single submitter. Criteria: ACMG Guidelines, 2015. Collection method: research. Allele origin: germline.